The following is an entry in ClinVar:

ClinVar aggregate classification (germline): Uncertain significance. Review status: criteria provided, multiple submitters, no conflicts (2 of 4 stars). 3 submissions from 3 submitters: Uncertain significance (3). Last evaluated 2025-10-22.

Conditions:
DCHS1-related congenital anomalies of the kidney and urinary tract.
Inborn genetic diseases. Identifiers: MedGen C0950123, MeSH D030342.

Allele frequency attached by ClinVar (database versions not stated): gnomAD 0.00003; TOPMed 0.00004; 1000 Genomes Project 30x 0.00016; 1000 Genomes Project 0.00020.
gnomAD v4.1: 42 of 1,612,654 alleles (0.0026%); highest among the groups gnomAD compares: East Asian, 0.0089%; no homozygotes.

Submissions (3):

Labcorp Genetics (formerly Invitae), Labcorp
Classification: Uncertain significance. Last evaluated: 2025-10-22. Review status: criteria provided, single submitter. Criteria: Invitae Variant Classification Sherloc (09022015). Collection method: clinical testing. Allele origin: germline.
Comment: This sequence change replaces arginine, which is basic and polar, with tryptophan, which is neutral and slightly polar, at codon 1828 of the DCHS1 protein (p.Arg1828Trp). This variant is present in population databases (rs574706163, gnomAD 0.01%). This variant has not been reported in the literature in individuals affected with DCHS1-related conditions. ClinVar contains an entry for this variant (Variation ID: 2414680). Invitae Evidence Modeling of protein sequence and biophysical properties (such as structural, functional, and spatial information, amino acid conservation, physicochemical variation, residue mobility, and thermodynamic stability) has been performed for this missense variant. However, the output from this modeling did not meet the statistical confidence thresholds required to predict the impact of this variant on DCHS1 protein function. In summary, the available evidence is currently insufficient to determine the role of this variant in disease. Therefore, it has been classified as a Variant of Uncertain Significance.

Ambry Genetics
Classification: Uncertain significance for Inborn genetic diseases. Last evaluated: 2025-05-20. Review status: criteria provided, single submitter. Criteria: Ambry Variant Classification Scheme 2023. Collection method: clinical testing. Allele origin: germline.

University of Washington Department of Laboratory Medicine, University of Washington
Classification: Uncertain significance for DCHS1-related congenital anomalies of the kidney and urinary tract. Last evaluated: 2021-12-21. Review status: criteria provided, single submitter. Criteria: ACMG Guidelines, 2015. Collection method: clinical testing. Allele origin: unknown. Affected: yes.
Comment: The p.Arg1828Trp variant in the DCHS1 gene has not been previously reported in association with disease and has been identified in 6/245884 chromosomes by the Genome Aggregation Database. In silico tools predict that the p.Ala3144Thr variant does not impact protein function; however, these predictions have not been tested directly. Using ACMG guidelines, this variant was classified as a variant of uncertain significance (ACMG evidence codes used: PM2_supporting, BP4).

NM_003737.4(DCHS1):c.5482C>T (p.Arg1828Trp)

Gene: DCHS1 (dachsous cadherin-related 1; minus strand). Cytogenetic location: 11p15.4.
Variant type: single nucleotide variant.
Coding change: c.5482C>T on transcript NM_003737.4 (MANE Select); coding-DNA position 5482, C replaced by T.
Protein change: p.Arg1828Trp; replaces arginine 1828 with tryptophan.
Molecular consequence: missense variant.
Genome position (GRCh38, 1-based): chr11:6,627,557, G>A on the plus strand (C>T on the coding strand, the complement: DCHS1 is on the minus strand). VCF-style: chr11-6627557-G-A. GRCh37 (hg19) VCF-style: chr11-6648788-G-A.
Other names: c.5482C>T (NM_003737.3, NM_003737.2); short protein forms R1828W.
Identifiers: ClinVar variation 2414680 (VCV002414680.8), dbSNP rs574706163, ClinGen allele CA5860083.
Genomic context (GRCh38, chr11:6,627,557, plus strand): 5'-CATCCAGCACTGTCACTGTCAAAAGCAGCGTGGCACTGAGAGCTGGCTGGCCTCCATCCC[G>A]GGCCTCTATCCTCAGCTGGAAAGCTGGCTCCACTTCTCTGTCTAGTGGCCGCATGGTGCC-3'
Protein context (NP_003728.1, residues 1818-1838): EPAFQLRIEA[Arg1828Trp]DGGQPALSAT